The following is an entry in ClinVar:

NM_004360.5(CDH1):c.2251A>T (p.Asn751Tyr)

Gene: CDH1 (cadherin 1; plus strand). Cytogenetic location: 16q22.1.
Variant type: single nucleotide variant.
Coding change: c.2251A>T on transcript NM_004360.5 (MANE Select); coding-DNA position 2251, A replaced by T.
Protein change: p.Asn751Tyr; replaces asparagine 751 with tyrosine.
Molecular consequence: missense variant.
Genome position (GRCh38, 1-based): chr16:68,828,260, A>T. VCF-style: chr16-68828260-A-T. GRCh37 (hg19) VCF-style: chr16-68862163-A-T.
Other names: c.2068A>T, p.Asn690Tyr (NM_001317184.2); c.703A>T, p.Asn235Tyr (NM_001317185.2); c.286A>T, p.Asn96Tyr (NM_001317186.2); short protein forms N751Y, N96Y, N235Y, N690Y.
Identifiers: ClinVar variation 820969 (VCV000820969.4), dbSNP rs1596970924, ClinGen allele CA396469869.

ClinVar aggregate classification (germline): Uncertain significance (1 of 4 stars; one submission).

Conditions:
Hereditary cancer-predisposing syndrome. Also called: Neoplastic Syndromes, Hereditary; Tumor predisposition; Hereditary Cancer Syndrome; Hereditary neoplastic syndrome. Identifiers: Orphanet 140162, MedGen C0027672, MeSH D009386, MONDO:0015356.

Submission:

Ambry Genetics
Classification: Uncertain significance for Hereditary cancer-predisposing syndrome. Last evaluated: 2018-02-13. Review status: criteria provided, single submitter. Criteria: Ambry Variant Classification Scheme 2023. Collection method: clinical testing. Allele origin: germline.
Comment: The p.N751Y variant (also known as c.2251A>T), located in coding exon 14 of the CDH1 gene, results from an A to T substitution at nucleotide position 2251. The asparagine at codon 751 is replaced by tyrosine, an amino acid with dissimilar properties. This amino acid position is highly conserved in available vertebrate species. In addition, this alteration is predicted to be deleterious by in silico analysis. Since supporting evidence is limited at this time, the clinical significance of this alteration remains unclear.